The following is an entry in ClinVar:

NM_001385125.1(OPN1SW):c.777C>A (p.Tyr259Ter)

Gene: OPN1SW (opsin 1, short wave sensitive; minus strand). Cytogenetic location: 7q32.1.
Variant type: single nucleotide variant.
Coding change: c.777C>A on transcript NM_001385125.1 (MANE Select); coding-DNA position 777, C replaced by A.
Protein change: p.Tyr259Ter; replaces tyrosine 259 with a stop codon.
Molecular consequence: nonsense.
Genome position (GRCh38, 1-based): chr7:128,773,790, G>T on the plus strand (C>A on the coding strand, the complement: OPN1SW is on the minus strand). VCF-style: chr7-128773790-G-T. GRCh37 (hg19) VCF-style: chr7-128413844-G-T.
Other names: short protein forms Y259*.
Identifiers: ClinVar variation 2982607 (VCV002982607.3), dbSNP rs372964467, ClinGen allele CA166210961.

ClinVar aggregate classification (germline): Uncertain significance (1 of 4 stars; one submission).

Submission:

Labcorp Genetics (formerly Invitae), Labcorp
Classification: Uncertain significance. Last evaluated: 2023-12-30. Review status: criteria provided, single submitter. Criteria: Invitae Variant Classification Sherloc (09022015). Collection method: clinical testing. Allele origin: germline.
Comment: This sequence change creates a premature translational stop signal (p.Tyr262*) in the OPN1SW gene. It is expected to result in an absent or disrupted protein product. However, the current clinical and genetic evidence is not sufficient to establish whether loss-of-function variants in OPN1SW cause disease. This variant is not present in population databases (gnomAD no frequency). This variant has not been reported in the literature in individuals affected with OPN1SW-related conditions. In summary, the available evidence is currently insufficient to determine the role of this variant in disease. Therefore, it has been classified as a Variant of Uncertain Significance.